The following is an entry in ClinVar:

ClinVar aggregate classification (germline): Uncertain significance (1 of 4 stars; one submission).

Submission:

GeneDx
Classification: Uncertain significance. Last evaluated: 2019-10-31. Review status: criteria provided, single submitter. Criteria: GeneDx Variant Classification Process June 2021. Collection method: clinical testing. Allele origin: germline. Affected: yes.
Comment: De novo variant with confirmed parentage in a patient with congenital heart defects, but not enough clinical information was provided to determine whether this individual's phenotype was consistent with Kabuki syndrome (Homsy et al., 2015; Kosmicki et al., 2017; Jin et al., 2017); Not observed in large population cohorts (Lek et al., 2016); In silico analysis, which includes protein predictors and evolutionary conservation, supports a deleterious effect; Located in the SET domain; This variant is associated with the following publications: (PMID: 26785492, 28191890, 28991257, 32888943)

NM_003482.4(KMT2D):c.16267G>T (p.Val5423Phe)

Gene: KMT2D (lysine methyltransferase 2D; minus strand). Cytogenetic location: 12q13.12.
Variant type: single nucleotide variant.
Coding change: c.16267G>T on transcript NM_003482.4 (MANE Select); coding-DNA position 16267, G replaced by T.
Protein change: p.Val5423Phe; replaces valine 5423 with phenylalanine.
Molecular consequence: missense variant.
Genome position (GRCh38, 1-based): chr12:49,022,661, C>A on the plus strand (G>T on the coding strand, the complement: KMT2D is on the minus strand). VCF-style: chr12-49022661-C-A. GRCh37 (hg19) VCF-style: chr12-49416444-C-A.
Other names: short protein forms V5423F.
Identifiers: ClinVar variation 1303468 (VCV001303468.2), dbSNP rs1942386075, ClinGen allele CA384677836.